The following is an entry in ClinVar:

ClinVar aggregate classification (germline): Uncertain significance (1 of 4 stars; one submission).

Submission:

Women's Health and Genetics/Laboratory Corporation of America, LabCorp
Classification: Uncertain significance. Last evaluated: 2026-02-17. Review status: criteria provided, single submitter. Criteria: LabCorp Variant Classification Summary - May 2015. Collection method: clinical testing. Allele origin: germline.
Comment: Variant summary: COX6A1 c.-5C>A is located in the untranslated mRNA region upstream of the initiation codon. The variant allele was found at a frequency of 5.2e-05 in 248182 control chromosomes. This frequency is not significantly higher than estimated for disease-causing variants in COX6A1, allowing no conclusion about variant significance. To our knowledge, no occurrence of c.-5C>A in individuals affected with COX6A1-related conditions and no experimental evidence demonstrating its impact on protein function have been reported. No submitters have cited clinical-significance assessments for this variant to ClinVar. Based on the evidence outlined above, the variant was classified as uncertain significance.

NM_004373.4(COX6A1):c.-5C>A

Gene: COX6A1 (cytochrome c oxidase subunit 6A1; plus strand). Cytogenetic location: 12q24.31.
Variant type: single nucleotide variant.
Coding change: c.-5C>A on transcript NM_004373.4 (MANE Select); 5 bases upstream of the start codon, C replaced by A.
Molecular consequence: 5 prime UTR variant.
Genome position (GRCh38, 1-based): chr12:120,438,122, C>A. VCF-style: chr12-120438122-C-A. GRCh37 (hg19) VCF-style: chr12-120875925-C-A.
Identifiers: ClinVar variation 4848313 (VCV004848313.1).